The following is an entry in ClinVar:

NM_005647.4(TBL1X):c.1142A>G (p.Asn381Ser)

Gene: TBL1X (transducin beta like 1 X-linked; plus strand). Cytogenetic location: Xp22.2.
Variant type: single nucleotide variant.
Coding change: c.1142A>G on transcript NM_005647.4 (MANE Select); coding-DNA position 1142, A replaced by G.
Protein change: p.Asn381Ser; replaces asparagine 381 with serine.
Molecular consequence: missense variant.
Genome position (GRCh38, 1-based): chrX:9,705,020, A>G. VCF-style: chrX-9705020-A-G. GRCh37 (hg19) VCF-style: chrX-9673060-A-G.
Other names: c.1142A>G, p.Asn381Ser (NM_001139466.1); c.989A>G, p.Asn330Ser (NM_001139467.1, NM_001139468.1); short protein forms N330S, N381S.
Identifiers: ClinVar variation 3250828 (VCV003250828.18), dbSNP rs2083198354.
Genomic context (GRCh38, chrX:9,705,020, plus strand): 5'-AGTAACTCCAGATGTCCTCCCTCCCTACTGCAGCCCCTGCCCTTGATGTGGACTGGCAGA[A>G]CAACACGACCTTTGCCTCCTGTAGCACAGACATGTGTATCCATGTGTGCAGGCTCGGCTG-3'
Protein context (NP_005638.1, residues 371-391): SAPALDVDWQ[Asn381Ser]NTTFASCSTD

ClinVar aggregate classification (germline): Uncertain significance (1 of 4 stars; one submission).

Allele frequency attached by ClinVar (database versions not stated): gnomAD exomes below 0.00001; gnomAD 0.00001; TOPMed 0.00001.

Submission:

CeGaT Center for Human Genetics Tuebingen
Classification: Uncertain significance. Last evaluated: 2024-06-01. Review status: criteria provided, single submitter. Criteria: CeGaT Center For Human Genetics Tuebingen Variant Classification Criteria Version 2. Collection method: clinical testing. Allele origin: germline. Affected: yes. Observed: 1 variant allele.
Comment: TBL1X: PM2